The following is an entry in ClinVar:

NM_032444.4(SLX4):c.234G>C (p.Lys78Asn)

Gene: SLX4 (SLX4 structure-specific endonuclease subunit; minus strand). Cytogenetic location: 16p13.3.
Variant type: single nucleotide variant.
Coding change: c.234G>C on transcript NM_032444.4 (MANE Select); coding-DNA position 234, G replaced by C.
Protein change: p.Lys78Asn; replaces lysine 78 with asparagine.
Molecular consequence: missense variant.
Genome position (GRCh38, 1-based): chr16:3,608,731, C>G on the plus strand (G>C on the coding strand, the complement: SLX4 is on the minus strand). VCF-style: chr16-3608731-C-G. GRCh37 (hg19) VCF-style: chr16-3658732-C-G.
Other names: short protein forms K78N.
Identifiers: ClinVar variation 3580565 (VCV003580565.3).

ClinVar aggregate classification (germline): Uncertain significance. Review status: criteria provided, multiple submitters, no conflicts (2 of 4 stars). 2 submissions from 2 submitters: Uncertain significance (2). Last evaluated 2024-10-16.

Conditions:
Fanconi anemia (FA). Also called: Fanconi's anemia. Identifiers: Orphanet 84, MedGen C0015625, MeSH D005199, MONDO:0019391.
Fanconi anemia complementation group P. Also called: SLX4-Related Fanconi Anemia. Identifiers: Orphanet 84, MedGen C3469542, MONDO:0013499, OMIM 613951.

Submissions (2):

Labcorp Genetics (formerly Invitae), Labcorp
Classification: Uncertain significance for Fanconi anemia. Last evaluated: 2024-10-16. Review status: criteria provided, single submitter. Criteria: Invitae Variant Classification Sherloc (09022015). Collection method: clinical testing. Allele origin: germline.
Comment: This sequence change replaces lysine, which is basic and polar, with asparagine, which is neutral and polar, at codon 78 of the SLX4 protein (p.Lys78Asn). This variant is not present in population databases (gnomAD no frequency). This variant has not been reported in the literature in individuals affected with SLX4-related conditions. An algorithm developed to predict the effect of missense changes on protein structure and function outputs the following: PolyPhen-2: "Benign". The asparagine amino acid residue is found in multiple mammalian species, which suggests that this missense change does not adversely affect protein function. In summary, the available evidence is currently insufficient to determine the role of this variant in disease. Therefore, it has been classified as a Variant of Uncertain Significance.

Fulgent Genetics
Classification: Uncertain significance for Fanconi anemia complementation group P. Last evaluated: 2024-05-16. Review status: criteria provided, single submitter. Criteria: ACMG Guidelines, 2015. Collection method: clinical testing. Allele origin: germline.